The following is an entry in ClinVar:

ClinVar aggregate classification (germline): Uncertain significance (1 of 4 stars; one submission).

Allele frequency attached by ClinVar (database versions not stated): gnomAD exomes below 0.00001.
gnomAD v4.1: 2 of 1,614,206 alleles (0.00012%); highest among the groups gnomAD compares: East Asian, 0.0045%; no homozygotes.

Submission:

Labcorp Genetics (formerly Invitae), Labcorp
Classification: Uncertain significance. Last evaluated: 2023-08-23. Review status: criteria provided, single submitter. Criteria: Invitae Variant Classification Sherloc (09022015). Collection method: clinical testing. Allele origin: germline.
Comment: In summary, the available evidence is currently insufficient to determine the role of this variant in disease. Therefore, it has been classified as a Variant of Uncertain Significance. Advanced modeling of protein sequence and biophysical properties (such as structural, functional, and spatial information, amino acid conservation, physicochemical variation, residue mobility, and thermodynamic stability) has been performed at Invitae for this missense variant, however the output from this modeling did not meet the statistical confidence thresholds required to predict the impact of this variant on ABCA4 protein function. This variant has not been reported in the literature in individuals affected with ABCA4-related conditions. This variant is not present in population databases (gnomAD no frequency). This sequence change replaces valine, which is neutral and non-polar, with alanine, which is neutral and non-polar, at codon 1222 of the ABCA4 protein (p.Val1222Ala).

NM_000350.3(ABCA4):c.3665T>C (p.Val1222Ala)

Genes: ABCA4 (ATP binding cassette subfamily A member 4; minus strand), LOC126805794 (BRD4-independent group 4 enhancer GRCh37_chr1:94502188-94503387; plus strand). Cytogenetic location: 1p22.1.
Variant type: single nucleotide variant.
Coding change: c.3665T>C on transcript NM_000350.3 (MANE Select); coding-DNA position 3665, T replaced by C.
Protein change: p.Val1222Ala; replaces valine 1222 with alanine.
Molecular consequence: missense variant.
Genome position (GRCh38, 1-based): chr1:94,037,293, A>G on the plus strand (T>C on the coding strand, the complement: ABCA4 is on the minus strand). VCF-style: chr1-94037293-A-G. GRCh37 (hg19) VCF-style: chr1-94502849-A-G.
Other names: c.3443T>C, p.Val1148Ala (NM_001425324.1); short protein forms V1222A, V1148A.
Identifiers: ClinVar variation 3004003 (VCV003004003.3), dbSNP rs2523752115, ClinGen allele CA341289484.